The following is an entry in ClinVar:

NM_002860.4(ALDH18A1):c.2084A>G (p.His695Arg)

Gene: ALDH18A1 (aldehyde dehydrogenase 18 family member A1; minus strand). Cytogenetic location: 10q24.1.
Variant type: single nucleotide variant.
Coding change: c.2084A>G on transcript NM_002860.4 (MANE Select); coding-DNA position 2084, A replaced by G.
Protein change: p.His695Arg; replaces histidine 695 with arginine.
Molecular consequence: missense variant.
Genome position (GRCh38, 1-based): chr10:95,611,282, T>C on the plus strand (A>G on the coding strand, the complement: ALDH18A1 is on the minus strand). VCF-style: chr10-95611282-T-C. GRCh37 (hg19) VCF-style: chr10-97371039-T-C.
Other names: c.2078A>G, p.His693Arg (NM_001017423.2, NM_001323415.2); c.1751A>G, p.His584Arg (NM_001323412.2, NM_001323416.2); c.2084A>G, p.His695Arg (NM_001323413.2, NM_001323414.2); c.1979A>G, p.His660Arg (NM_001323417.2); c.1745A>G, p.His582Arg (NM_001323418.2); c.1448A>G, p.His483Arg (NM_001323419.2); short protein forms H483R, H582R, H584R, H660R, H693R, H695R.
Identifiers: ClinVar variation 3907921 (VCV003907921.1).

ClinVar aggregate classification (germline): Uncertain significance (1 of 4 stars; one submission).

Submission:

GeneDx
Classification: Uncertain significance. Last evaluated: 2024-12-24. Review status: criteria provided, single submitter. Criteria: GeneDx Variant Classification Process June 2021. Collection method: clinical testing. Allele origin: germline. Affected: yes.
Comment: Not observed at significant frequency in large population cohorts (gnomAD); In silico analysis supports that this missense variant has a deleterious effect on protein structure/function; Has not been previously published as pathogenic or benign to our knowledge